The following is an entry in ClinVar:

NM_001378328.1(CELSR1):c.4332C>T (p.Thr1444=)

Gene: CELSR1 (cadherin EGF LAG seven-pass G-type receptor 1; minus strand). Cytogenetic location: 22q13.31.
Variant type: single nucleotide variant.
Coding change: c.4332C>T on transcript NM_001378328.1 (MANE Select); coding-DNA position 4332, C replaced by T.
Protein change: p.Thr1444=; no amino-acid change (threonine 1444 retained).
Molecular consequence: synonymous variant.
Genome position (GRCh38, 1-based): chr22:46,439,263, G>A on the plus strand (C>T on the coding strand, the complement: CELSR1 is on the minus strand). VCF-style: chr22-46439263-G-A. GRCh37 (hg19) VCF-style: chr22-46835160-G-A.
Other names: c.4332C>T, p.Thr1444= (NM_014246.4).
Identifiers: ClinVar variation 3032016 (VCV003032016.2), dbSNP rs1303501461, ClinGen allele CA515098356.

ClinVar aggregate classification (germline): Likely benign (0 of 4 stars; one submission).

Conditions:
CELSR1-related disorder. Also called: CELSR1-related condition.

Allele frequency attached by ClinVar (database versions not stated): gnomAD exomes below 0.00001.
gnomAD v4.1: 4 of 1,614,140 alleles (0.00025%); highest among the groups gnomAD compares: Admixed American, 0.0033%; no homozygotes.

Submission:

PreventionGenetics, part of Exact Sciences
Classification: Likely benign for CELSR1-related condition. Last evaluated: 2023-01-27. Review status: no assertion criteria provided. Collection method: clinical testing. Allele origin: germline.
Comment: This variant is classified as likely benign based on ACMG/AMP sequence variant interpretation guidelines (Richards et al. 2015 PMID: 25741868, with internal and published modifications).